The following is an entry in ClinVar:

ClinVar aggregate classification (germline): Uncertain significance (1 of 4 stars; one submission).

Conditions:
Familial thoracic aortic aneurysm and aortic dissection (TAAD). Also called: Thoracic aortic aneurysms and dissections. Identifiers: Orphanet 91387, MedGen C4707243, MONDO:0019625.

Submission:

Ambry Genetics
Classification: Uncertain significance for Familial thoracic aortic aneurysm and aortic dissection. Last evaluated: 2014-10-16. Review status: criteria provided, single submitter. Criteria: Ambry Variant Classification Scheme 2023. Collection method: clinical testing. Allele origin: germline.
Comment: The p.G2027V variant (also known as c.6080G>T), located in coding exon 49 of the FBN1 gene in the cb EGF-like #31 domain, results from a G to T substitution at nucleotide position 6080. The glycine at codon 2027 is replaced by valine, an amino acid with dissimilar properties. In a study of missense mutations of conserved glycine residues in fibrillin-1 cb-EGF-like domains, this alteration and several other potential glycine substitutions at the same codon were predicted to be pathogenous based on in silico analyses (Khau Van Kien P et al. Hum Mutat. 2010;31(1):E1021-42). This variant was not reported in population based cohorts in the following databases: Database of Single Nucleotide Polymorphisms (dbSNP), NHLBI Exome Sequencing Project (ESP), and 1000 Genomes Project. In the ESP, this variant was not observed in 6,494 samples (12,988 alleles) with coverage at this position. This amino acid position is highly conserved in available vertebrate species. In addition, this alteration is predicted to be deleterious by in silico analysis. Since supporting evidence is limited at this time, the clinical significance of this variant remains unclear.

Literature cited by the submitters: PubMed 19802897.

NM_000138.5(FBN1):c.6080G>T (p.Gly2027Val)

Gene: FBN1 (fibrillin 1; minus strand). Cytogenetic location: 15q21.1.
Variant type: single nucleotide variant.
Coding change: c.6080G>T on transcript NM_000138.5 (MANE Select); coding-DNA position 6080, G replaced by T.
Protein change: p.Gly2027Val; replaces glycine 2027 with valine.
Molecular consequence: missense variant.
Genome position (GRCh38, 1-based): chr15:48,441,804, C>A on the plus strand (G>T on the coding strand, the complement: FBN1 is on the minus strand). VCF-style: chr15-48441804-C-A. GRCh37 (hg19) VCF-style: chr15-48734001-C-A.
Other names: short protein forms G2027V.
Identifiers: ClinVar variation 263865 (VCV000263865.5), dbSNP rs886038958, ClinGen allele CA10587807.